The following is an entry in ClinVar:

NM_000057.4(BLM):c.1606C>A (p.His536Asn)

Gene: BLM (BLM RecQ like helicase; plus strand). Cytogenetic location: 15q26.1.
Variant type: single nucleotide variant.
Coding change: c.1606C>A on transcript NM_000057.4 (MANE Select); coding-DNA position 1606, C replaced by A.
Protein change: p.His536Asn; replaces histidine 536 with asparagine.
Molecular consequence: missense variant.
Genome position (GRCh38, 1-based): chr15:90,760,979, C>A. VCF-style: chr15-90760979-C-A. GRCh37 (hg19) VCF-style: chr15-91304209-C-A.
Other names: c.1606C>A, p.His536Asn (NM_001287246.2, NM_001287247.2); c.481C>A, p.His161Asn (NM_001287248.2); short protein forms H536N, H161N.
Identifiers: ClinVar variation 1776287 (VCV001776287.4), dbSNP rs1895967093, ClinGen allele CA393843430.

ClinVar aggregate classification (germline): Uncertain significance. Review status: criteria provided, multiple submitters, no conflicts (2 of 4 stars). 2 submissions from 2 submitters: Uncertain significance (2). Last evaluated 2024-08-19.

Conditions:
Hereditary cancer-predisposing syndrome. Also called: Neoplastic Syndromes, Hereditary; Tumor predisposition; Hereditary Cancer Syndrome; Hereditary neoplastic syndrome. Identifiers: Orphanet 140162, MedGen C0027672, MeSH D009386, MONDO:0015356.
Bloom syndrome (BLM). Also called: Bloom-Torre-Machacek syndrome. Identifiers: Orphanet 125, MedGen C0005859, MONDO:0008876, OMIM 210900.

gnomAD v4.1: 1 of 1,612,938 alleles (0.000062%); highest among the groups gnomAD compares: East Asian, 0.0022%; no homozygotes.

Submissions (2):

Labcorp Genetics (formerly Invitae), Labcorp
Classification: Uncertain significance for Bloom syndrome. Last evaluated: 2024-08-19. Review status: criteria provided, single submitter. Criteria: Invitae Variant Classification Sherloc (09022015). Collection method: clinical testing. Allele origin: germline.
Comment: This sequence change replaces histidine, which is basic and polar, with asparagine, which is neutral and polar, at codon 536 of the BLM protein (p.His536Asn). This variant is not present in population databases (gnomAD no frequency). This variant has not been reported in the literature in individuals affected with BLM-related conditions. ClinVar contains an entry for this variant (Variation ID: 1776287). Invitae Evidence Modeling of protein sequence and biophysical properties (such as structural, functional, and spatial information, amino acid conservation, physicochemical variation, residue mobility, and thermodynamic stability) indicates that this missense variant is not expected to disrupt BLM protein function with a negative predictive value of 80%. In summary, the available evidence is currently insufficient to determine the role of this variant in disease. Therefore, it has been classified as a Variant of Uncertain Significance.

Ambry Genetics
Classification: Uncertain significance for Hereditary cancer-predisposing syndrome. Last evaluated: 2021-10-04. Review status: criteria provided, single submitter. Criteria: Ambry Variant Classification Scheme 2023. Collection method: clinical testing. Allele origin: germline.
Comment: The p.H536N variant (also known as c.1606C>A), located in coding exon 6 of the BLM gene, results from a C to A substitution at nucleotide position 1606. The histidine at codon 536 is replaced by asparagine, an amino acid with similar properties. This amino acid position is conserved. In addition, this alteration is predicted to be tolerated by in silico analysis. Since supporting evidence is limited at this time, the clinical significance of this alteration remains unclear.